The following is an entry in ClinVar:

ClinVar aggregate classification (germline): Uncertain significance (1 of 4 stars; one submission).

Conditions:
Nephronophthisis 14 (NPHP14). Identifiers: Orphanet 2318, MedGen C3539071, MONDO:0013916, OMIM 614844.

Submission:

Labcorp Genetics (formerly Invitae), Labcorp
Classification: Uncertain significance for Nephronophthisis 14. Last evaluated: 2024-10-21. Review status: criteria provided, single submitter. Criteria: Invitae Variant Classification Sherloc (09022015). Collection method: clinical testing. Allele origin: germline.
Comment: This sequence change replaces valine, which is neutral and non-polar, with leucine, which is neutral and non-polar, at codon 305 of the ZNF423 protein (p.Val305Leu). This variant is not present in population databases (gnomAD no frequency). This variant has not been reported in the literature in individuals affected with ZNF423-related conditions. ClinVar contains an entry for this variant (Variation ID: 1054341). Invitae Evidence Modeling of protein sequence and biophysical properties (such as structural, functional, and spatial information, amino acid conservation, physicochemical variation, residue mobility, and thermodynamic stability) indicates that this missense variant is not expected to disrupt ZNF423 protein function with a negative predictive value of 80%. In summary, the available evidence is currently insufficient to determine the role of this variant in disease. Therefore, it has been classified as a Variant of Uncertain Significance.

NM_001379286.1(ZNF423):c.937G>C (p.Val313Leu)

Gene: ZNF423 (zinc finger protein 423; minus strand). Cytogenetic location: 16q12.1.
Variant type: single nucleotide variant.
Coding change: c.937G>C on transcript NM_001379286.1 (MANE Select); coding-DNA position 937, G replaced by C.
Protein change: p.Val313Leu; replaces valine 313 with leucine.
Molecular consequence: missense variant.
Genome position (GRCh38, 1-based): chr16:49,638,239, C>G on the plus strand (G>C on the coding strand, the complement: ZNF423 is on the minus strand). VCF-style: chr16-49638239-C-G. GRCh37 (hg19) VCF-style: chr16-49672150-C-G.
Other names: c.733G>C, p.Val245Leu (NM_001271620.2); c.562G>C, p.Val188Leu (NM_001330533.2); c.913G>C, p.Val305Leu (NM_015069.5); short protein forms V188L, V245L, V305L, V313L.
Identifiers: ClinVar variation 1054341 (VCV001054341.8), dbSNP rs1187402285, ClinGen allele CA395850965.